The following is an entry in ClinVar:

NM_017721.5(CC2D1A):c.1877C>G (p.Ala626Gly)

Gene: CC2D1A (coiled-coil and C2 domain containing 1A; plus strand). Cytogenetic location: 19p13.12.
Variant type: single nucleotide variant.
Coding change: c.1877C>G on transcript NM_017721.5 (MANE Select); coding-DNA position 1877, C replaced by G.
Protein change: p.Ala626Gly; replaces alanine 626 with glycine.
Molecular consequence: missense variant.
Genome position (GRCh38, 1-based): chr19:13,923,748, C>G. VCF-style: chr19-13923748-C-G. GRCh37 (hg19) VCF-style: chr19-14034561-C-G.
Other names: c.1877C>G, p.Ala626Gly (NM_001411138.1); short protein forms A626G.
Identifiers: ClinVar variation 3342053 (VCV003342053.16).

ClinVar aggregate classification (germline): Uncertain significance (1 of 4 stars; one submission).

gnomAD v4.1: 1 of 1,614,180 alleles (0.000062%); no homozygotes.

Submission:

CeGaT Center for Human Genetics Tuebingen
Classification: Uncertain significance. Last evaluated: 2024-08-01. Review status: criteria provided, single submitter. Criteria: CeGaT Center For Human Genetics Tuebingen Variant Classification Criteria Version 2. Collection method: clinical testing. Allele origin: germline. Affected: yes. Observed: 1 variant allele.
Comment: CC2D1A: PM2